The following is an entry in ClinVar:

NM_003482.4(KMT2D):c.8420C>T (p.Ser2807Phe)

Gene: KMT2D (lysine methyltransferase 2D; minus strand). Cytogenetic location: 12q13.12.
Variant type: single nucleotide variant.
Coding change: c.8420C>T on transcript NM_003482.4 (MANE Select); coding-DNA position 8420, C replaced by T.
Protein change: p.Ser2807Phe; replaces serine 2807 with phenylalanine.
Molecular consequence: missense variant.
Genome position (GRCh38, 1-based): chr12:49,038,936, G>A on the plus strand (C>T on the coding strand, the complement: KMT2D is on the minus strand). VCF-style: chr12-49038936-G-A. GRCh37 (hg19) VCF-style: chr12-49432719-G-A.
Other names: short protein forms S2807F.
Identifiers: ClinVar variation 2882633 (VCV002882633.6), dbSNP rs1410236197, ClinGen allele CA384742342.

ClinVar aggregate classification (germline): Conflicting classifications of pathogenicity. Review status: criteria provided, conflicting classifications (1 of 4 stars). 2 submissions from 2 submitters: Uncertain significance (1); Benign (1). Last evaluated 2026-06-16.

Conditions:
Kabuki syndrome. Also called: NIIKAWA-KUROKI SYNDROME; Kabuki make-up syndrome. Identifiers: Orphanet 2322, MedGen C0796004, MONDO:0016512.

Allele frequency attached by ClinVar (database versions not stated): gnomAD exomes below 0.00001.

Submissions (2):

Women's Health and Genetics/Laboratory Corporation of America, LabCorp
Classification: Uncertain significance. Last evaluated: 2026-06-16. Review status: criteria provided, single submitter. Criteria: LabCorp Variant Classification Summary - May 2015. Collection method: clinical testing. Allele origin: germline.
Comment: Variant summary: KMT2D c.8420C>T (p.Ser2807Phe) results in a non-conservative amino acid change in the encoded protein sequence. Algorithms developed to predict the effect of missense changes on protein structure and function are either unavailable or do not agree on the potential impact of this missense change. The variant allele was found at a frequency of 6.4e-06 in 156312 control chromosomes. The available data on variant occurrences in the general population are insufficient to allow any conclusion about variant significance. To our knowledge, no occurrence of c.8420C>T in individuals affected with KMT2D-related conditions and no experimental evidence demonstrating its impact on protein function have been reported. ClinVar contains an entry for this variant (Variation ID: 2882633). Based on the evidence outlined above, the variant was classified as uncertain significance.

Labcorp Genetics (formerly Invitae), Labcorp
Classification: Benign for Kabuki syndrome. Last evaluated: 2024-12-22. Review status: criteria provided, single submitter. Criteria: Invitae Variant Classification Sherloc (09022015). Collection method: clinical testing. Allele origin: germline.